The following is an entry in ClinVar:

NM_001844.5(COL2A1):c.3263GAG[1] (p.Gly1089del)

Gene: COL2A1 (collagen type II alpha 1 chain; minus strand). Cytogenetic location: 12q13.11.
Variant type: Microsatellite.
Coding change: c.3263GAG[1] on transcript NM_001844.5 (MANE Select); one copy of the 3-base unit GAG starting at c.3263; the reference has two copies in a row; one copy, 3 bases deleted.
Protein change: p.Gly1089del; deletes glycine 1089.
Molecular consequence: inframe deletion.
Genome position (GRCh38, 1-based): chr12:47,977,325-47,977,327, CTC deleted on the plus strand (GAG on the coding strand, the reverse complement: COL2A1 is on the minus strand); deleting any 3 consecutive bases within chr12:47,977,325-47,977,330 gives the same sequence; the position shown is the placement nearest the transcript's 3' end. VCF-style (leftmost placement, unchanged base first): chr12-47977324-TCTC-T. GRCh37 (hg19) VCF-style: chr12-48371107-TCTC-T.
Other names: c.3056GAG[1], p.Gly1020del (NM_033150.3); short protein forms G1020del, G1089del.
Identifiers: ClinVar variation 1224464 (VCV001224464.8), dbSNP rs2136521036, ClinGen allele CA2580615170.

ClinVar aggregate classification (germline): Pathogenic/Likely pathogenic. Review status: criteria provided, multiple submitters, no conflicts (2 of 4 stars). 2 submissions from 2 submitters: Pathogenic (1); Likely pathogenic (1). Last evaluated 2025-08-21.

Conditions:
COL2A1-related disorder. Also called: COL2A1-related condition; COL2A1-related disorders.

Submissions (2):

Labcorp Genetics (formerly Invitae), Labcorp
Classification: Pathogenic. Last evaluated: 2025-08-21. Review status: criteria provided, single submitter. Criteria: Invitae Variant Classification Sherloc (09022015). Collection method: clinical testing. Allele origin: germline.
Comment: This variant, c.3266_3268del, results in the deletion of 1 amino acid(s) of the COL2A1 protein (p.Gly1089del), but otherwise preserves the integrity of the reading frame. This variant is not present in population databases (gnomAD no frequency). This variant has been observed in individual(s) with autosomal dominant COL2A1-related conditions (PMID: 15895462, 36118854). In at least one individual the variant was observed to be de novo. This variant disrupts the triple helix domain of COL2A1. Glycine residues within the Gly-Xaa-Yaa repeats of the triple helix domain are required for the structure and stability of fibrillar collagens (PMID: 7695699, 8218237, 19344236). In COL2A1, variants affecting these glycine residues are significantly enriched in individuals with disease (PMID: 9016532, 17078022) compared to the general population (ExAC). For these reasons, this variant has been classified as Pathogenic.

Blueprint Genetics
Classification: Likely pathogenic for COL2A1-related disorders. Last evaluated: 2017-08-25. Review status: criteria provided, single submitter. Criteria: ACMG Guidelines, 2015. Collection method: clinical testing. Allele origin: germline. Affected: yes. Observed: 1 variant allele.

Literature cited by the submitters: PubMed 15895462 (cited by Labcorp Genetics (formerly Invitae), Labcorp); PubMed 36118854 (cited by Labcorp Genetics (formerly Invitae), Labcorp); PubMed 7695699 (cited by Labcorp Genetics (formerly Invitae), Labcorp); PubMed 8218237 (cited by Labcorp Genetics (formerly Invitae), Labcorp); PubMed 19344236 (cited by Labcorp Genetics (formerly Invitae), Labcorp); PubMed 9016532 (cited by Labcorp Genetics (formerly Invitae), Labcorp); PubMed 17078022 (cited by Labcorp Genetics (formerly Invitae), Labcorp).